The following is an entry in ClinVar:

ClinVar aggregate classification (germline): Likely pathogenic. Review status: reviewed by expert panel (3 of 4 stars). 2 submissions from 2 submitters: Likely pathogenic (1). 1 of the submissions does not count toward it. Last evaluated 2024-09-06.

Conditions:
Phenylketonuria (PKU). Also called: Phenylketonuria (PKU); FOLLING DISEASE; OLIGOPHRENIA PHENYLPYRUVICA; Phenylketonurias. Identifiers: Orphanet 716, MedGen C0031485, MONDO:0009861, OMIM 261600. Disease mechanism: loss of function.

gnomAD v4.1: 4 of 1,613,904 alleles (0.00025%); highest among the groups gnomAD compares: Non-Finnish European, 0.00034%; no homozygotes.

Submissions (2):

ClinGen PAH Variant Curation Expert Panel
Classification: Likely pathogenic for Phenylketonuria. Last evaluated: 2024-09-06. Review status: reviewed by expert panel. Criteria: ClinGen PAH ACMG Specifications v1. Collection method: curation. Allele origin: germline. Inheritance: Autosomal recessive inheritance.
Comment: The c.1022A>C (p.Lys341Thr) variant in PAH has been reported in a patient with PKU (BH4 deficiency not assessed, PMID: 9012412). This variant is absent from controls in ExAC, gnomAD, 1000 Genomes, and ESP. A deleterious effect is predicted in SIFT, Polyphen-2, MutationTaster, and REVEL=0.945. A different likely pathogenic missense change at the same amino acid (p.Lys341Arg) has been seen before. In summary, this variant meets criteria to be classified as Likely pathogenic for PAH. PAH-specific ACMG/AMP criteria applied: PM2_supporting, PP3_strong, PM5_supporting, PP4.

DeBelle Laboratory for Biochemical Genetics, MUHC/MCH RESEARCH INSTITUTE
No classification provided. Review status: no classification provided. Collection method: not provided. Allele origin: not provided. Not counted in ClinVar's aggregate classification.

NM_000277.3(PAH):c.1022A>C (p.Lys341Thr)

Gene: PAH (phenylalanine hydroxylase; minus strand). Cytogenetic location: 12q23.2.
Variant type: single nucleotide variant.
Coding change: c.1022A>C on transcript NM_000277.3 (MANE Select); coding-DNA position 1022, A replaced by C.
Protein change: p.Lys341Thr; replaces lysine 341 with threonine.
Molecular consequence: missense variant.
Genome position (GRCh38, 1-based): chr12:102,844,379, T>G on the plus strand (A>C on the coding strand, the complement: PAH is on the minus strand). VCF-style: chr12-102844379-T-G. GRCh37 (hg19) VCF-style: chr12-103238157-T-G.
Other names: c.1022A>C, p.Lys341Thr (NM_001354304.2); short protein forms K341T.
Identifiers: ClinVar variation 102471 (VCV000102471.3), dbSNP rs62516153, ClinGen allele CA229274.